The following is an entry in ClinVar:

NM_001692.4(ATP6V1B1):c.904C>A (p.Arg302=)

Gene: ATP6V1B1 (ATPase H+ transporting V1 subunit B1; plus strand). Cytogenetic location: 2p13.3.
Variant type: single nucleotide variant.
Coding change: c.904C>A on transcript NM_001692.4 (MANE Select); coding-DNA position 904, C replaced by A.
Protein change: p.Arg302=; no amino-acid change (arginine 302 retained).
Molecular consequence: synonymous variant.
Genome position (GRCh38, 1-based): chr2:70,962,895, C>A. VCF-style: chr2-70962895-C-A. GRCh37 (hg19) VCF-style: chr2-71190025-C-A.
Identifiers: ClinVar variation 227185 (VCV000227185.4), dbSNP rs876657431, ClinGen allele CA10577190.

ClinVar aggregate classification (germline): Likely benign (1 of 4 stars; one submission).

gnomAD v4.1: 3 of 1,613,998 alleles (0.00019%); highest among the groups gnomAD compares: East Asian, 0.0022%; no homozygotes.

Submission:

Laboratory for Molecular Medicine, Mass General Brigham Personalized Medicine
Classification: Likely benign. Last evaluated: 2015-06-19. Review status: criteria provided, single submitter. Criteria: LMM Criteria. Collection method: clinical testing. Allele origin: germline. Observed: 1 variant allele.
Comment: p.Arg302Arg in exon 9 of ATP6V1B1: This variant is not expected to have clinical significance because it does not alter an amino acid residue and is not located within the splice consensus sequence.